The following is an entry in ClinVar:

ClinVar aggregate classification (germline): Benign. Review status: criteria provided, single submitter (1 of 4 stars). 2 submissions from 2 submitters: Benign (1). 1 of the submissions does not count toward it. Last evaluated 2026-01-28.

Conditions:
HAND1-related disorder. Also called: HAND1-related condition.
Hypoplastic left heart syndrome. Also called: Hypoplastic left ventricle; Hypoplastic left heart. Identifiers: Orphanet 2248, MedGen C0152101, MONDO:0004933, HP:0004383.

Allele frequency attached by ClinVar (database versions not stated): gnomAD exomes 0.00006 and 0.00017; ExAC 0.00026; ESP Exome Variant Server 0.00050; gnomAD 0.00064 and 0.00070; TOPMed 0.00072.
gnomAD v4.1: 186 of 1,595,792 alleles (0.012%); highest among the groups gnomAD compares: African/African-American, 0.22%; 1 homozygote.

Submissions (2):

Labcorp Genetics (formerly Invitae), Labcorp
Classification: Benign for Hypoplastic left heart syndrome. Last evaluated: 2026-01-28. Review status: criteria provided, single submitter. Criteria: Invitae Variant Classification Sherloc (09022015). Collection method: clinical testing. Allele origin: germline.

PreventionGenetics, part of Exact Sciences
Classification: Likely benign for HAND1-related condition. Last evaluated: 2019-08-20. Review status: no assertion criteria provided. Collection method: clinical testing. Allele origin: germline. Not counted in ClinVar's aggregate classification.
Comment: This variant is classified as likely benign based on ACMG/AMP sequence variant interpretation guidelines (Richards et al. 2015 PMID: 25741868, with internal and published modifications).

NM_004821.3(HAND1):c.180G>A (p.Gly60=)

Gene: HAND1 (heart and neural crest derivatives expressed 1; minus strand). Cytogenetic location: 5q33.2.
Variant type: single nucleotide variant.
Coding change: c.180G>A on transcript NM_004821.3 (MANE Select); coding-DNA position 180, G replaced by A.
Protein change: p.Gly60=; no amino-acid change (glycine 60 retained).
Molecular consequence: synonymous variant.
Genome position (GRCh38, 1-based): chr5:154,477,829, C>T on the plus strand (G>A on the coding strand, the complement: HAND1 is on the minus strand). VCF-style: chr5-154477829-C-T. GRCh37 (hg19) VCF-style: chr5-153857389-C-T.
Identifiers: ClinVar variation 528330 (VCV000528330.14), dbSNP rs369386099, ClinGen allele CA3526617.